The following is an entry in ClinVar:

ClinVar aggregate classification (germline): Likely benign (1 of 4 stars; one submission).

Submission:

Mayo Clinic Laboratories, Mayo Clinic
Classification: Likely benign. Last evaluated: 2025-08-02. Review status: criteria provided, single submitter. Criteria: ACMG Guidelines, 2015. Collection method: clinical testing. Allele origin: germline. Observed: 1 variant allele.
Comment: BP4, BP7, PM2_supporting

NM_003477.3(PDHX):c.1047C>T (p.Ser349=)

Gene: PDHX (pyruvate dehydrogenase complex component X; plus strand). Cytogenetic location: 11p13.
Variant type: single nucleotide variant.
Coding change: c.1047C>T on transcript NM_003477.3 (MANE Select); coding-DNA position 1047, C replaced by T.
Protein change: p.Ser349=; no amino-acid change (serine 349 retained).
Molecular consequence: synonymous variant.
Genome position (GRCh38, 1-based): chr11:34,984,593, C>T. VCF-style: chr11-34984593-C-T. GRCh37 (hg19) VCF-style: chr11-35006140-C-T.
Other names: p.Ser349=; c.867C>T, p.Ser289= (NM_001135024.2); c.366C>T, p.Ser122= (NM_001166158.2).
Identifiers: ClinVar variation 4683605 (VCV004683605.1).
Genomic context (GRCh38, chr11:34,984,593, plus strand): 5'-TGCTTTTTTAGTAACATTTTTCTTTTTCTATTTCTAGCAAATGCCAGATGTTAATGTAAG[C>T]TGGGATGGAGAGGGCCCAAAGCAACTGCCATTTATTGACATTTCAGTGGCTGTGGCAACA-3'
Protein context (NP_003468.2, residues 339-359): TLKQMPDVNV[Ser349=]WDGEGPKQLP